The following is an entry in ClinVar:

NM_001037.5(SCN1B):c.179G>T (p.Arg60Leu)

Gene: SCN1B (sodium voltage-gated channel beta subunit 1; plus strand). Cytogenetic location: 19q13.11.
Variant type: single nucleotide variant.
Coding change: c.179G>T on transcript NM_001037.5 (MANE Select); coding-DNA position 179, G replaced by T.
Protein change: p.Arg60Leu; replaces arginine 60 with leucine.
Molecular consequence: missense variant.
Genome position (GRCh38, 1-based): chr19:35,032,666, G>T. VCF-style: chr19-35032666-G-T. GRCh37 (hg19) VCF-style: chr19-35523570-G-T.
Other names: c.80G>T, p.Arg27Leu (NM_001321605.2); c.179G>T, p.Arg60Leu (NM_199037.5); short protein forms R27L, R60L.
Identifiers: ClinVar variation 2116910 (VCV002116910.4), dbSNP rs2064221894, ClinGen allele CA405328292.

ClinVar aggregate classification (germline): Uncertain significance (1 of 4 stars; one submission).

Conditions:
Brugada syndrome 5 (BRGDA5). Identifiers: Orphanet 130, Orphanet 871, MedGen C2748541, MONDO:0013015, OMIM 612838.

Submission:

Labcorp Genetics (formerly Invitae), Labcorp
Classification: Uncertain significance for Brugada syndrome 5. Last evaluated: 2022-03-25. Review status: criteria provided, single submitter. Criteria: Invitae Variant Classification Sherloc (09022015). Collection method: clinical testing. Allele origin: germline.
Comment: In summary, the available evidence is currently insufficient to determine the role of this variant in disease. Therefore, it has been classified as a Variant of Uncertain Significance. Algorithms developed to predict the effect of missense changes on protein structure and function are either unavailable or do not agree on the potential impact of this missense change (SIFT: "Deleterious"; PolyPhen-2: "Possibly Damaging"; Align-GVGD: "Class C0"). This variant has not been reported in the literature in individuals affected with SCN1B-related conditions. This variant is not present in population databases (gnomAD no frequency). This sequence change replaces arginine, which is basic and polar, with leucine, which is neutral and non-polar, at codon 60 of the SCN1B protein (p.Arg60Leu).